The following is an entry in ClinVar:

NM_005726.6(TSFM):c.655G>A (p.Gly219Arg)

Gene: TSFM (Ts translation elongation factor, mitochondrial; plus strand). Cytogenetic location: 12q14.1.
Variant type: single nucleotide variant.
Coding change: c.655G>A on transcript NM_005726.6 (MANE Select); coding-DNA position 655, G replaced by A.
Protein change: p.Gly219Arg; replaces glycine 219 with arginine.
Molecular consequence: missense variant. On other transcripts: 3 prime UTR variant (1), intron variant (1).
Genome position (GRCh38, 1-based): chr12:57,796,260, G>A. VCF-style: chr12-57796260-G-A. GRCh37 (hg19) VCF-style: chr12-58190043-G-A.
Other names: c.718G>A (NM_001172696.1); c.*63G>A (NM_001172695.2); c.718G>A, p.Gly240Arg (NM_001172696.2); c.571+3187G>A (NM_001172697.2); short protein forms G219R, G240R.
Identifiers: ClinVar variation 1348922 (VCV001348922.5), dbSNP rs752963960, ClinGen allele CA6659427.

ClinVar aggregate classification (germline): Uncertain significance. Review status: criteria provided, multiple submitters, no conflicts (2 of 4 stars). 2 submissions from 2 submitters: Uncertain significance (2). Last evaluated 2025-07-15.

Allele frequency attached by ClinVar (database versions not stated): gnomAD exomes 0.00002 and 0.00005; gnomAD 0.00001; ExAC 0.00002.
gnomAD v4.1: 67 of 1,613,130 alleles (0.0042%); highest among the groups gnomAD compares: Non-Finnish European, 0.0056%; no homozygotes.

Submissions (2):

GeneDx
Classification: Uncertain significance. Last evaluated: 2025-07-15. Review status: criteria provided, single submitter. Criteria: GeneDx Variant Classification Process June 2021. Collection method: clinical testing. Allele origin: germline. Affected: yes.
Comment: Not observed at significant frequency in large population cohorts (gnomAD); In silico analysis supports that this missense variant has a deleterious effect on protein structure/function; Has not been previously published as pathogenic or benign to our knowledge; In silico analysis suggests this variant may impact gene splicing. In the absence of RNA/functional studies, the actual effect of this sequence change is unknown.

Labcorp Genetics (formerly Invitae), Labcorp
Classification: Uncertain significance. Last evaluated: 2024-10-16. Review status: criteria provided, single submitter. Criteria: Invitae Variant Classification Sherloc (09022015). Collection method: clinical testing. Allele origin: germline.
Comment: This sequence change replaces glycine, which is neutral and non-polar, with arginine, which is basic and polar, at codon 240 of the TSFM protein (p.Gly240Arg). This variant is present in population databases (rs752963960, gnomAD 0.005%). This variant has not been reported in the literature in individuals affected with TSFM-related conditions. ClinVar contains an entry for this variant (Variation ID: 1348922). Invitae Evidence Modeling of protein sequence and biophysical properties (such as structural, functional, and spatial information, amino acid conservation, physicochemical variation, residue mobility, and thermodynamic stability) indicates that this missense variant is not expected to disrupt TSFM protein function with a negative predictive value of 80%. Algorithms developed to predict the effect of sequence changes on RNA splicing suggest that this variant may create or strengthen a splice site. In summary, the available evidence is currently insufficient to determine the role of this variant in disease. Therefore, it has been classified as a Variant of Uncertain Significance.